The following is an entry in ClinVar:

NM_001853.4(COL9A3):c.1230C>A (p.Ser410Arg)

Gene: COL9A3 (collagen type IX alpha 3 chain; plus strand). Cytogenetic location: 20q13.33.
Variant type: single nucleotide variant.
Coding change: c.1230C>A on transcript NM_001853.4 (MANE Select); coding-DNA position 1230, C replaced by A.
Protein change: p.Ser410Arg; replaces serine 410 with arginine.
Molecular consequence: missense variant.
Genome position (GRCh38, 1-based): chr20:62,830,531, C>A. VCF-style: chr20-62830531-C-A. GRCh37 (hg19) VCF-style: chr20-61461883-C-A.
Other names: short protein forms S410R.
Identifiers: ClinVar variation 4803139 (VCV004803139.1).

ClinVar aggregate classification (germline): Uncertain significance (1 of 4 stars; one submission).

gnomAD v4.1: 3 of 1,608,636 alleles (0.00019%); highest among the groups gnomAD compares: South Asian, 0.0033%; no homozygotes.

Submission:

Labcorp Genetics (formerly Invitae), Labcorp
Classification: Uncertain significance. Last evaluated: 2025-05-22. Review status: criteria provided, single submitter. Criteria: Invitae Variant Classification Sherloc (09022015). Collection method: clinical testing. Allele origin: germline.
Comment: This sequence change replaces serine, which is neutral and polar, with arginine, which is basic and polar, at codon 410 of the COL9A3 protein (p.Ser410Arg). The frequency data for this variant in the population databases is considered unreliable, as metrics indicate poor data quality at this position in the gnomAD database. This variant has not been reported in the literature in individuals affected with COL9A3-related conditions. Invitae Evidence Modeling of protein sequence and biophysical properties (such as structural, functional, and spatial information, amino acid conservation, physicochemical variation, residue mobility, and thermodynamic stability) indicates that this missense variant is not expected to disrupt COL9A3 protein function with a negative predictive value of 95%. In summary, the available evidence is currently insufficient to determine the role of this variant in disease. Therefore, it has been classified as a Variant of Uncertain Significance.